The following is an entry in ClinVar:

ClinVar aggregate classification (germline): Likely pathogenic (1 of 4 stars; one submission).

Conditions:
DICER1-related tumor predisposition. Also called: DICER1-related pleuropulmonary blastoma cancer predisposition syndrome; DICER1 syndrome. Identifiers: Orphanet 284343, MedGen C3839822, MONDO:0100216.

Submission:

Unidad de Genómica Garrahan, Hospital de Pediatría Garrahan
Classification: Likely pathogenic for DICER1-related tumor predisposition. Last evaluated: 2025-12-01. Review status: criteria provided, single submitter. Criteria: Hatton et al. (Hum Mutat. 2023). Collection method: clinical testing. Allele origin: germline. Affected: yes.
Comment: Frameshift variant predicted to result in protein truncation in a gene for which loss-of-function is a known mechanism of disease (PVS1_very strong). Based on the available evidence and following the ClinGen DICER1 and miRNA-Processing Gene Expert Panel Specifications to the ACMG/AMP Variant Interpretation Guidelines for DICER1 (PMID: 38084291) this alteration is classified as likely pathogenic.

NM_177438.3(DICER1):c.3242del (p.Gly1081fs)

Gene: DICER1 (dicer 1, ribonuclease III; minus strand). Cytogenetic location: 14q32.13.
Variant type: Deletion.
Coding change: c.3242del on transcript NM_177438.3 (MANE Select); coding-DNA position 3242, one base deleted (G; older notation c.3242delG).
Protein change: p.Gly1081fs; shifts the reading frame from glycine 1081.
Molecular consequence: frameshift variant. On other transcripts: non-coding transcript variant (6).
Genome position (GRCh38, 1-based): chr14:95,105,098, C deleted on the plus strand (G on the coding strand, the reverse complement: DICER1 is on the minus strand); the first of 3 consecutive C bases (chr14:95,105,098-95,105,100); deleting any one gives the same sequence. VCF-style (leftmost placement, unchanged base first): chr14-95105097-TC-T. GRCh37 (hg19) VCF-style: chr14-95571434-TC-T.
Other names: p.(Gly1081Glufs*14); c.3242del, p.Gly1081fs (NM_001195573.1, NM_001271282.3, NM_001291628.2 and 12 more transcripts); c.2960del, p.Gly987fs (NM_001395686.1); c.2837del, p.Gly946fs (NM_001395687.1, NM_001395688.1, NM_001395689.1 and 2 more transcripts); c.2675del, p.Gly892fs (NM_001395691.1); c.1559del, p.Gly520fs (NM_001395697.1); short protein forms G1081fs, G520fs, G892fs, G946fs, G987fs.
Identifiers: ClinVar variation 4686640 (VCV004686640.1).